The following is an entry in ClinVar:

NM_002524.5(NRAS):c.331A>G (p.Met111Val)

Gene: NRAS (NRAS proto-oncogene, GTPase; minus strand). Cytogenetic location: 1p13.2.
Variant type: single nucleotide variant.
Coding change: c.331A>G on transcript NM_002524.5 (MANE Select); coding-DNA position 331, A replaced by G.
Protein change: p.Met111Val; replaces methionine 111 with valine.
Molecular consequence: missense variant.
Genome position (GRCh38, 1-based): chr1:114,709,688, T>C on the plus strand (A>G on the coding strand, the complement: NRAS is on the minus strand). VCF-style: chr1-114709688-T-C. GRCh37 (hg19) VCF-style: chr1-115252309-T-C.
Other names: short protein forms M111V.
Identifiers: ClinVar variation 1419784 (VCV001419784.6), dbSNP rs776195467, ClinGen allele CA1020725.

ClinVar aggregate classification (germline): Uncertain significance (1 of 4 stars; one submission).

Conditions:
RASopathy. Also called: rasopathies; Noonan spectrum disorder. Identifiers: Orphanet 536391, MedGen C5555857, MONDO:0021060.

Allele frequency attached by ClinVar (database versions not stated): gnomAD 0.00001; gnomAD exomes 0.00001 and 0.00002; TOPMed 0.00001; ExAC 0.00002.

Submission:

Labcorp Genetics (formerly Invitae), Labcorp
Classification: Uncertain significance for RASopathy. Last evaluated: 2025-12-14. Review status: criteria provided, single submitter. Criteria: Invitae Variant Classification Sherloc (09022015). Collection method: clinical testing. Allele origin: germline.
Comment: This sequence change replaces methionine, which is neutral and non-polar, with valine, which is neutral and non-polar, at codon 111 of the NRAS protein (p.Met111Val). This variant is present in population databases (rs776195467, gnomAD 0.003%). This variant has not been reported in the literature in individuals affected with NRAS-related conditions. ClinVar contains an entry for this variant (Variation ID: 1419784). Invitae Evidence Modeling of protein sequence and biophysical properties (such as structural, functional, and spatial information, amino acid conservation, physicochemical variation, residue mobility, and thermodynamic stability) indicates that this missense variant is expected to disrupt NRAS protein function with a positive predictive value of 95%. In summary, the available evidence is currently insufficient to determine the role of this variant in disease. Therefore, it has been classified as a Variant of Uncertain Significance.